The following is an entry in ClinVar:

NM_001035.3(RYR2):c.2213C>G (p.Ala738Gly)

Gene: RYR2 (ryanodine receptor 2; plus strand). Cytogenetic location: 1q43.
Variant type: single nucleotide variant.
Coding change: c.2213C>G on transcript NM_001035.3 (MANE Select); coding-DNA position 2213, C replaced by G.
Protein change: p.Ala738Gly; replaces alanine 738 with glycine.
Molecular consequence: missense variant.
Genome position (GRCh38, 1-based): chr1:237,500,720, C>G. VCF-style: chr1-237500720-C-G. GRCh37 (hg19) VCF-style: chr1-237664020-C-G.
Other names: c.2213C>G (NM_001035.2); short protein forms A738G.
Identifiers: ClinVar variation 921193 (VCV000921193.7), dbSNP rs758381482, ClinGen allele CA085992.
Genomic context (GRCh38, chr1:237,500,720, plus strand): 5'-TCTCTGAGATAAAAAAATACATGACCTTCCTTAATGTTTTCCCCCCAATAGGTTGTATTG[C>G]TCGTACTGTAAGCTCACCAAACCAACATCTGTTAAGAACTGATGATGTCATCAGTTGCTG-3'
Protein context (NP_001026.2, residues 728-748): DGLHLWSGCI[Ala738Gly]RTVSSPNQHL

ClinVar aggregate classification (germline): Uncertain significance. Review status: criteria provided, multiple submitters, no conflicts (2 of 4 stars). 3 submissions from 3 submitters: Uncertain significance (3). Last evaluated 2026-07-07.

Conditions:
Cardiomyopathy (CMYO). Also called: Cardiomyopathies. Identifiers: Orphanet 167848, MedGen C0878544, MONDO:0004994, HP:0001638. Inheritance: Various modes of inheritance.
Cardiovascular phenotype. Identifiers: MedGen CN230736.
Catecholaminergic polymorphic ventricular tachycardia (CVPT). Also called: Catecholamine-induced polymorphic ventricular tachycardia. Identifiers: Orphanet 3286, MedGen C5574922, MONDO:0017990.

Allele frequency attached by ClinVar (database versions not stated): gnomAD exomes below 0.00001 and 0.00002; TOPMed below 0.00001; ExAC 0.00001; gnomAD 0.00001.
gnomAD v4.1: 11 of 1,607,326 alleles (0.00068%); highest among the groups gnomAD compares: East Asian, 0.022%; no homozygotes.

Submissions (3):

Ambry Genetics
Classification: Uncertain significance for Cardiovascular phenotype. Last evaluated: 2026-07-07. Review status: criteria provided, single submitter. Criteria: Ambry Variant Classification Scheme 2023. Collection method: clinical testing. Allele origin: germline.
Comment: The p.A738G variant (also known as c.2213C>G), located in coding exon 21 of the RYR2 gene, results from a C to G substitution at nucleotide position 2213. The alanine at codon 738 is replaced by glycine, an amino acid with similar properties. This amino acid position is conserved. In addition, this alteration is predicted to be tolerated by in silico analysis. Based on the available evidence, the clinical significance of this variant remains unclear.

Color Diagnostics, LLC DBA Color Health
Classification: Uncertain significance for Cardiomyopathy. Last evaluated: 2024-03-06. Review status: criteria provided, single submitter. Criteria: ACMG Guidelines, 2015. Collection method: clinical testing. Allele origin: germline.
Comment: This variant is located in the RYR2 protein. Computational prediction suggests that this variant may not impact protein structure and function (internally defined REVEL score threshold <= 0.5, PMID: 27666373). To our knowledge, functional studies have not been reported for this variant. This variant has not been reported in individuals affected with RYR2-related disorders in the literature. This variant has been identified in 1/247624 chromosomes in the general population by the Genome Aggregation Database (gnomAD). The available evidence is insufficient to determine the role of this variant in disease conclusively. Therefore, this variant is classified as a Variant of Uncertain Significance.

All of Us Research Program, National Institutes of Health
Classification: Uncertain significance for Catecholaminergic polymorphic ventricular tachycardia. Last evaluated: 2023-09-04. Review status: criteria provided, single submitter. Criteria: ACMG Guidelines, 2015. Collection method: clinical testing. Allele origin: germline. Inheritance: Autosomal dominant inheritance. Observed: 1 variant allele, 1 heterozygote.
Comment: This missense variant replaces alanine with glycine at codon 738 of the RYR2 protein. Computational prediction tools and conservation analyses are inconclusive regarding the impact of this variant on the protein function. Computational splicing tools suggest that this variant may not impact RNA splicing. To our knowledge, functional assays have not been performed for this variant nor has this variant been reported in individuals affected with cardiovascular disorders in the literature. This variant has been identified in 1/247624 chromosomes in the general population by the Genome Aggregation Database (gnomAD). Available evidence is insufficient to determine the role of this variant in disease conclusively. Therefore, this variant is classified as a Variant of Uncertain Significance.

This study involves interpretation of variants in research participants for the purpose of population health screening. Participant phenotype was not available at the time of variant classification. Additional details can be found in publication PMID: 35346344, PMCID: PMC8962531